The following is an entry in ClinVar:

ClinVar aggregate classification (germline): Likely benign (1 of 4 stars; one submission).

Conditions:
BAAT-related disorder. Also called: BAAT-related condition.

gnomAD v4.1: 20 of 1,613,520 alleles (0.0012%); highest among the groups gnomAD compares: East Asian, 0.0022%; no homozygotes.

Submission:

PreventionGenetics, part of Exact Sciences
Classification: Likely benign for BAAT-related condition. Last evaluated: 2025-06-13. Review status: criteria provided, single submitter. Criteria: ACMG Guidelines, 2015. Collection method: clinical testing. Allele origin: germline.
Comment: This variant is classified as likely benign based on ACMG/AMP sequence variant interpretation guidelines (Richards et al. 2015 PMID: 25741868, with internal and published modifications).

NM_001701.4(BAAT):c.684C>T (p.Gly228=)

Gene: BAAT (bile acid-CoA:amino acid N-acyltransferase; minus strand). Cytogenetic location: 9q31.1.
Variant type: single nucleotide variant.
Coding change: c.684C>T on transcript NM_001701.4 (MANE Select); coding-DNA position 684, C replaced by T.
Protein change: p.Gly228=; no amino-acid change (glycine 228 retained).
Molecular consequence: synonymous variant.
Genome position (GRCh38, 1-based): chr9:101,363,001, G>A on the plus strand (C>T on the coding strand, the complement: BAAT is on the minus strand). VCF-style: chr9-101363001-G-A. GRCh37 (hg19) VCF-style: chr9-104125283-G-A.
Other names: c.684C>T, p.Gly228= (NM_001127610.2, NM_001374715.1).
Identifiers: ClinVar variation 4987205 (VCV004987205.1).
Genomic context (GRCh38, chr9:101,363,001, plus strand): 5'-TAGGTAAATAGCCATAGATAGTCCAATCTGTACTCCTTGACATACAGAGACTACCCCAAC[G>A]CCTGAGCCAAAGACCTGAAAAAAATAATAGAAATGAGAAATTATTCTAGCCTTCATTTAG-3'
Protein context (NP_001692.1, residues 218-238): LLRHPKVFGS[Gly228=]VGVVSVCQGV